The following is an entry in ClinVar:

NM_198994.3(TGM6):c.181+8G>A

Gene: TGM6 (transglutaminase 6; plus strand). Cytogenetic location: 20p13.
Variant type: single nucleotide variant.
Coding change: c.181+8G>A on transcript NM_198994.3 (MANE Select); 8 bases into the intron after coding-DNA position 181, G replaced by A.
Molecular consequence: intron variant.
Genome position (GRCh38, 1-based): chr20:2,394,633, G>A. VCF-style: chr20-2394633-G-A. GRCh37 (hg19) VCF-style: chr20-2375279-G-A.
Other names: p.?; c.181+8G>A (NM_001254734.2).
Identifiers: ClinVar variation 717044 (VCV000717044.11), dbSNP rs12106117, ClinGen allele CA9731562.
Genomic context (GRCh38, chr20:2,394,633, plus strand): 5'-GCTGAGCAGAGCCCTGGACTGTGAGGAGATCCTCATCTTCACGATGGAGACAGGTAACTG[G>A]GCTTGCCAGCACCCTCTTCTCGTCTGCAGCTGGAGGGACCTGTCTTATGACTCAGTAACA-3'

ClinVar aggregate classification (germline): Benign/Likely benign. Review status: criteria provided, multiple submitters, no conflicts (2 of 4 stars). 4 submissions from 4 submitters: Benign (2); Likely benign (1). 1 of the submissions does not count toward it. Last evaluated 2025-12-30.

Conditions:
TGM6-related disorder. Also called: TGM6-related condition.

Allele frequency attached by ClinVar (database versions not stated): gnomAD exomes 0.00021 and 0.00045; ExAC 0.00080; 1000 Genomes Project 0.00160; 1000 Genomes Project 30x 0.00172; gnomAD 0.00192 and 0.00210; ESP Exome Variant Server 0.00246; TOPMed 0.00258.
gnomAD v4.1: 607 of 1,605,256 alleles (0.038%); highest among the groups gnomAD compares: African/African-American, 0.73%; no homozygotes.

Submissions (4):

Labcorp Genetics (formerly Invitae), Labcorp
Classification: Benign. Last evaluated: 2025-12-30. Review status: criteria provided, single submitter. Criteria: Invitae Variant Classification Sherloc (09022015). Collection method: clinical testing. Allele origin: germline.

Mayo Clinic Laboratories, Mayo Clinic
Classification: Benign. Last evaluated: 2025-02-25. Review status: criteria provided, single submitter. Criteria: ACMG Guidelines, 2015. Collection method: clinical testing. Allele origin: germline. Observed: 2 variant alleles.
Comment: BS1, BS2, BP4, BP7

Blueprint Genetics
Classification: Likely benign. Last evaluated: 2024-10-18. Review status: criteria provided, single submitter. Criteria: ACMG Guidelines, 2015. Collection method: clinical testing. Allele origin: germline.

PreventionGenetics, part of Exact Sciences
Classification: Likely benign for TGM6-related condition. Last evaluated: 2024-05-23. Review status: no assertion criteria provided. Collection method: clinical testing. Allele origin: germline. Not counted in ClinVar's aggregate classification.
Comment: This variant is classified as likely benign based on ACMG/AMP sequence variant interpretation guidelines (Richards et al. 2015 PMID: 25741868, with internal and published modifications).